The following is an entry in ClinVar:

ClinVar aggregate classification (germline): Uncertain significance. Review status: criteria provided, multiple submitters, no conflicts (2 of 4 stars). 9 submissions from 9 submitters: Uncertain significance (4). 5 of the submissions do not count toward it. Last evaluated 2024-11-05.

Conditions:
Left ventricular noncompaction 8 (LVNC8). Identifiers: Orphanet 154, Orphanet 54260, MedGen C3809288, MONDO:0014152, OMIM 615373.

Allele frequency attached by ClinVar (database versions not stated): TOPMed 0.00004.
gnomAD v4.1: 146 of 1,610,876 alleles (0.0091%); highest among the groups gnomAD compares: Non-Finnish European, 0.012%; no homozygotes.

Submissions (9):

Blueprint Genetics
Classification: Uncertain significance. Last evaluated: 2024-11-05. Review status: criteria provided, single submitter. Criteria: ACMG Guidelines, 2015. Collection method: clinical testing. Allele origin: germline.

Labcorp Genetics (formerly Invitae), Labcorp
Classification: Uncertain significance for Left ventricular noncompaction 8. Last evaluated: 2024-10-12. Review status: criteria provided, single submitter. Criteria: Invitae Variant Classification Sherloc (09022015). Collection method: clinical testing. Allele origin: germline.
Comment: This sequence change replaces threonine, which is neutral and polar, with lysine, which is basic and polar, at codon 952 of the PRDM16 protein (p.Thr952Lys). This variant is present in population databases (rs749180764, gnomAD 0.003%). This missense change has been observed in individual(s) with dilated cardiomyopathy (PMID: 32880476). ClinVar contains an entry for this variant (Variation ID: 541389). An algorithm developed to predict the effect of missense changes on protein structure and function (PolyPhen-2) suggests that this variant is likely to be disruptive. In summary, the available evidence is currently insufficient to determine the role of this variant in disease. Therefore, it has been classified as a Variant of Uncertain Significance.

GeneDx
Classification: Uncertain significance. Last evaluated: 2023-10-02. Review status: criteria provided, single submitter. Criteria: GeneDx Variant Classification Process June 2021. Collection method: clinical testing. Allele origin: germline. Affected: yes.
Comment: Identified in a patient with mitral valve prolapse (van Wijangaarden et al., 2020) and a patient with DCM in published literature (Verdonschot et al., 2020); Not observed at significant frequency in large population cohorts (gnomAD); In silico analysis supports that this missense variant has a deleterious effect on protein structure/function; This variant is associated with the following publications: (PMID: 32880476, 32277046)

Neuberg Centre For Genomic Medicine, NCGM
Classification: Uncertain significance for Left ventricular noncompaction 8. Review status: criteria provided, single submitter. Criteria: ACMG Guidelines, 2015. Collection method: clinical testing. Allele origin: germline. Inheritance: Autosomal dominant inheritance. Affected: yes.
Comment: The missense c.2855C>A (p.Thr952Lys) variant in PRDM16 gene has been reported in individuals affected with PRDM16 related disorders (Verdonschot et. al., 2020; Van Wijngaarden et. al., 2020). The p.Thr952Lys variant is present with allele frequency of 0.001% in gnomAD exomes database. This variant has been submitted to the ClinVar database as Uncertain Significance. Multiple lines of computational evidence (Polyphen - probably damaging, SIFT - damaging and MutationTaster - disease causing) predict a damaging effect on protein structure and function for this variant. The reference amino acid at this position on PRDM16 gene is predicted as conserved by GERP++ and PhyloP across 100 vertebrates. The amino acid Thr at position 952 is changed to a Lys changing protein sequence and it might alter its composition and physico-chemical properties. For these reasons, this variant has been classified as Uncertain Significance (VUS).

Clinical Genetics DNA and cytogenetics Diagnostics Lab, Erasmus MC, Erasmus Medical Center
Classification: Uncertain significance. Review status: no assertion criteria provided. Collection method: clinical testing. Allele origin: germline. Affected: yes. Study: VKGL Data-share Consensus. Not counted in ClinVar's aggregate classification.

Clinical Genetics, Academic Medical Center
Classification: Uncertain significance. Review status: no assertion criteria provided. Collection method: clinical testing. Allele origin: germline. Affected: yes. Study: VKGL Data-share Consensus. Not counted in ClinVar's aggregate classification.

Diagnostic Laboratory, Department of Genetics, University Medical Center Groningen
Classification: Uncertain significance. Review status: no assertion criteria provided. Collection method: clinical testing. Allele origin: germline. Affected: yes. Study: VKGL Data-share Consensus. Not counted in ClinVar's aggregate classification.

Joint Genome Diagnostic Labs from Nijmegen and Maastricht, Radboudumc and MUMC+
Classification: Uncertain significance. Review status: no assertion criteria provided. Collection method: clinical testing. Allele origin: germline. Affected: yes. Study: VKGL Data-share Consensus. Not counted in ClinVar's aggregate classification.

Laboratory of Diagnostic Genome Analysis, Leiden University Medical Center (LUMC)
Classification: Uncertain significance. Review status: no assertion criteria provided. Collection method: clinical testing. Allele origin: germline. Affected: yes. Study: VKGL Data-share Consensus. Not counted in ClinVar's aggregate classification.

Literature cited by the submitters: PubMed 32880476 (cited by Labcorp Genetics (formerly Invitae), Labcorp).

NM_022114.4(PRDM16):c.2855C>A (p.Thr952Lys)

Gene: PRDM16 (PR/SET domain 16; plus strand). Cytogenetic location: 1p36.32.
Variant type: single nucleotide variant.
Coding change: c.2855C>A on transcript NM_022114.4 (MANE Select); coding-DNA position 2855, C replaced by A.
Protein change: p.Thr952Lys; replaces threonine 952 with lysine.
Molecular consequence: missense variant.
Genome position (GRCh38, 1-based): chr1:3,417,991, C>A. VCF-style: chr1-3417991-C-A. GRCh37 (hg19) VCF-style: chr1-3334555-C-A.
Other names: c.2855C>A, p.Thr952Lys (NM_199454.3); short protein forms T952K.
Identifiers: ClinVar variation 541389 (VCV000541389.19), dbSNP rs749180764, ClinGen allele CA544628.